The following is an entry in ClinVar:

ClinVar aggregate classification (germline): Uncertain significance. Review status: criteria provided, multiple submitters, no conflicts (2 of 4 stars). 3 submissions from 3 submitters: Uncertain significance (3). Last evaluated 2025-04-03.

Conditions:
Shprintzen-Goldberg syndrome (SGS). Also called: SHPRINTZEN-GOLDBERG CRANIOSYNOSTOSIS SYNDROME; CRANIOSYNOSTOSIS WITH ARACHNODACTYLY AND ABDOMINAL HERNIAS; Marfanoid disorder with craniosynostosis type 1; Marfanoid craniosynostosis syndrome; Shprintzen-Goldberg marfanoid syndrome. Identifiers: Orphanet 2462, MedGen C1321551, MONDO:0008426, OMIM 182212.
Familial thoracic aortic aneurysm and aortic dissection (TAAD). Also called: Thoracic aortic aneurysms and dissections. Identifiers: Orphanet 91387, MedGen C4707243, MONDO:0019625.

Allele frequency attached by ClinVar (database versions not stated): gnomAD exomes below 0.00001; gnomAD 0.00002 and 0.00003; ExAC 0.00002; TOPMed 0.00003.
gnomAD v4.1: 8 of 1,601,270 alleles (0.0005%); highest among the groups gnomAD compares: Admixed American, 0.0035%; no homozygotes.

Submissions (3):

Labcorp Genetics (formerly Invitae), Labcorp
Classification: Uncertain significance for Shprintzen-Goldberg syndrome. Last evaluated: 2025-04-03. Review status: criteria provided, single submitter. Criteria: Invitae Variant Classification Sherloc (09022015). Collection method: clinical testing. Allele origin: germline.
Comment: This sequence change replaces threonine, which is neutral and polar, with methionine, which is neutral and non-polar, at codon 606 of the SKI protein (p.Thr606Met). The frequency data for this variant in the population databases is considered unreliable, as metrics indicate poor data quality at this position in the gnomAD database. This variant has not been reported in the literature in individuals affected with SKI-related conditions. ClinVar contains an entry for this variant (Variation ID: 1342566). Invitae Evidence Modeling of protein sequence and biophysical properties (such as structural, functional, and spatial information, amino acid conservation, physicochemical variation, residue mobility, and thermodynamic stability) indicates that this missense variant is not expected to disrupt SKI protein function with a negative predictive value of 95%. In summary, the available evidence is currently insufficient to determine the role of this variant in disease. Therefore, it has been classified as a Variant of Uncertain Significance.

Ambry Genetics
Classification: Uncertain significance for Familial thoracic aortic aneurysm and aortic dissection. Last evaluated: 2024-01-29. Review status: criteria provided, single submitter. Criteria: Ambry Variant Classification Scheme 2023. Collection method: clinical testing. Allele origin: germline.
Comment: The p.T606M variant (also known as c.1817C>T), located in coding exon 6 of the SKI gene, results from a C to T substitution at nucleotide position 1817. The threonine at codon 606 is replaced by methionine, an amino acid with similar properties. This amino acid position is conserved. In addition, the in silico prediction for this alteration is inconclusive. Based on the available evidence, the clinical significance of this alteration remains unclear.

New York Genome Center
Classification: Uncertain significance for Shprintzen-Goldberg syndrome. Last evaluated: 2021-04-30. Review status: criteria provided, single submitter. Criteria: NYGC Assertion Criteria 2020. Collection method: clinical testing. Allele origin: inherited. Observed: 1 heterozygote. Study: CSER-NYCKidSeq.

NM_003036.4(SKI):c.1817C>T (p.Thr606Met)

Gene: SKI (SKI proto-oncogene; plus strand). Cytogenetic location: 1p36.32.
Variant type: single nucleotide variant.
Coding change: c.1817C>T on transcript NM_003036.4 (MANE Select); coding-DNA position 1817, C replaced by T.
Protein change: p.Thr606Met; replaces threonine 606 with methionine.
Molecular consequence: missense variant.
Genome position (GRCh38, 1-based): chr1:2,306,069, C>T. VCF-style: chr1-2306069-C-T. GRCh37 (hg19) VCF-style: chr1-2237508-C-T.
Other names: c.1817C>T (NM_003036.3); short protein forms T606M.
Identifiers: ClinVar variation 1342566 (VCV001342566.10), dbSNP rs753862105, ClinGen allele CA536813.